The following is an entry in ClinVar:

ClinVar aggregate classification (germline): Uncertain significance (1 of 4 stars; one submission).

Conditions:
Joubert syndrome. Also called: CEREBELLOPARENCHYMAL DISORDER IV; JOUBERT-BOLTSHAUSER SYNDROME; Familial aplasia of the vermis. Identifiers: Orphanet 475, MedGen C5979921, MONDO:0018772.

gnomAD v4.1: 8 of 1,594,240 alleles (0.0005%); highest among the groups gnomAD compares: Admixed American, 0.0053%; no homozygotes.

Submission:

Labcorp Genetics (formerly Invitae), Labcorp
Classification: Uncertain significance for Joubert syndrome. Last evaluated: 2022-08-16. Review status: criteria provided, single submitter. Criteria: Invitae Variant Classification Sherloc (09022015). Collection method: clinical testing. Allele origin: germline.
Comment: Advanced modeling of protein sequence and biophysical properties (such as structural, functional, and spatial information, amino acid conservation, physicochemical variation, residue mobility, and thermodynamic stability) performed at Invitae indicates that this missense variant is expected to disrupt INPP5E protein function. In summary, the available evidence is currently insufficient to determine the role of this variant in disease. Therefore, it has been classified as a Variant of Uncertain Significance. ClinVar contains an entry for this variant (Variation ID: 1401489). This sequence change replaces serine, which is neutral and polar, with cysteine, which is neutral and slightly polar, at codon 249 of the INPP5E protein (p.Ser249Cys). This variant is present in population databases (rs550485638, gnomAD 0.003%). This variant has not been reported in the literature in individuals affected with INPP5E-related conditions.

NM_019892.6(INPP5E):c.746C>G (p.Ser249Cys)

Gene: INPP5E (inositol polyphosphate-5-phosphatase E; minus strand). Cytogenetic location: 9q34.3.
Variant type: single nucleotide variant.
Coding change: c.746C>G on transcript NM_019892.6 (MANE Select); coding-DNA position 746, C replaced by G.
Protein change: p.Ser249Cys; replaces serine 249 with cysteine.
Molecular consequence: missense variant.
Genome position (GRCh38, 1-based): chr9:136,438,674, G>C on the plus strand (C>G on the coding strand, the complement: INPP5E is on the minus strand). VCF-style: chr9-136438674-G-C. GRCh37 (hg19) VCF-style: chr9-139333126-G-C.
Other names: c.746C>G, p.Ser249Cys (NM_001318502.2); short protein forms S249C.
Identifiers: ClinVar variation 1401489 (VCV001401489.8), dbSNP rs550485638, ClinGen allele CA5337090.